The following is an entry in ClinVar:

NM_080424.4(SP110):c.1956G>A (p.Thr652=)

Gene: SP110 (SP110 nuclear body protein; minus strand). Cytogenetic location: 2q37.1.
Variant type: single nucleotide variant.
Coding change: c.1956G>A on transcript NM_080424.4 (MANE Select); coding-DNA position 1956, G replaced by A.
Protein change: p.Thr652=; no amino-acid change (threonine 652 retained).
Molecular consequence: synonymous variant. On other transcripts: intron variant (1).
Genome position (GRCh38, 1-based): chr2:230,170,693, C>T on the plus strand (G>A on the coding strand, the complement: SP110 is on the minus strand). VCF-style: chr2-230170693-C-T. GRCh37 (hg19) VCF-style: chr2-231035409-C-T.
Other names: c.1884G>A (NM_004509.3); c.2052G>A, p.Thr684= (NM_001378442.1); c.2034G>A, p.Thr678= (NM_001378443.1); c.1974G>A, p.Thr658= (NM_001378444.1); c.1902G>A, p.Thr634= (NM_001378445.1); c.1884G>A, p.Thr628= (NM_004509.5); c.1833+1373G>A (NM_001378446.1).
Identifiers: ClinVar variation 1168473 (VCV001168473.45), dbSNP rs115116751, ClinGen allele CA2154289.

ClinVar aggregate classification (germline): Benign/Likely benign. Review status: criteria provided, multiple submitters, no conflicts (2 of 4 stars). 4 submissions from 4 submitters: Benign (1); Likely benign (2). 1 of the submissions does not count toward it. Last evaluated 2026-01-19.

Conditions:
Hepatic veno-occlusive disease-immunodeficiency syndrome. Also called: Hepatic Veno-Occlusive Disease with Immunodeficiency. Identifiers: Orphanet 79124, MedGen C1856128, MONDO:0009338, OMIM 235550. Disease mechanism: loss of function.
SP110-related disorder. Also called: SP110-related condition.

Allele frequency attached by ClinVar (database versions not stated): ESP Exome Variant Server 0.00008; ExAC 0.00015; gnomAD 0.00015 and 0.00016; gnomAD exomes 0.00015; TOPMed 0.00024; 1000 Genomes Project 0.00060; 1000 Genomes Project 30x 0.00062.
gnomAD v4.1: 348 of 1,614,088 alleles (0.022%); highest among the groups gnomAD compares: Non-Finnish European, 0.027%; 1 homozygote.

Submissions (4):

Labcorp Genetics (formerly Invitae), Labcorp
Classification: Benign for Hepatic veno-occlusive disease-immunodeficiency syndrome. Last evaluated: 2026-01-19. Review status: criteria provided, single submitter. Criteria: Invitae Variant Classification Sherloc (09022015). Collection method: clinical testing. Allele origin: germline.

Blueprint Genetics
Classification: Likely benign. Last evaluated: 2024-10-28. Review status: criteria provided, single submitter. Criteria: ACMG Guidelines, 2015. Collection method: clinical testing. Allele origin: germline.

CeGaT Center for Human Genetics Tuebingen
Classification: Likely benign. Last evaluated: 2021-11-01. Review status: criteria provided, single submitter. Criteria: CeGaT Center For Human Genetics Tuebingen Variant Classification Criteria Version 2. Collection method: clinical testing. Allele origin: germline. Affected: yes. Observed: 1 variant allele.

PreventionGenetics, part of Exact Sciences
Classification: Likely benign for SP110-related condition. Last evaluated: 2024-01-12. Review status: no assertion criteria provided. Collection method: clinical testing. Allele origin: germline. Not counted in ClinVar's aggregate classification.
Comment: This variant is classified as likely benign based on ACMG/AMP sequence variant interpretation guidelines (Richards et al. 2015 PMID: 25741868, with internal and published modifications).